The following is an entry in ClinVar:

ClinVar aggregate classification (germline): Uncertain significance (1 of 4 stars; one submission).

Conditions:
Familial sleep-related hypermotor epilepsy. Also called: Autosomal Dominant Sleep-Related Hypermotor (Hyperkinetic) Epilepsy. Identifiers: Orphanet 98784, MedGen C3696898, MONDO:0000030.

Submission:

Labcorp Genetics (formerly Invitae), Labcorp
Classification: Uncertain significance. Last evaluated: 2021-11-22. Review status: criteria provided, single submitter. Criteria: Invitae Variant Classification Sherloc (09022015). Collection method: clinical testing. Allele origin: germline.
Comment: This sequence change replaces threonine, which is neutral and polar, with asparagine, which is neutral and polar, at codon 318 of the CHRNA4 protein (p.Thr318Asn). This variant is not present in population databases (gnomAD no frequency). This variant has not been reported in the literature in individuals affected with CHRNA4-related conditions. Algorithms developed to predict the effect of missense changes on protein structure and function are either unavailable or do not agree on the potential impact of this missense change (SIFT: "Deleterious"; PolyPhen-2: "Probably Damaging"; Align-GVGD: "Class C0"). In summary, the available evidence is currently insufficient to determine the role of this variant in disease. Therefore, it has been classified as a Variant of Uncertain Significance.

NM_000744.7(CHRNA4):c.953C>A (p.Thr318Asn)

Gene: CHRNA4 (cholinergic receptor nicotinic alpha 4 subunit; minus strand). Cytogenetic location: 20q13.33.
Variant type: single nucleotide variant.
Coding change: c.953C>A on transcript NM_000744.7 (MANE Select); coding-DNA position 953, C replaced by A.
Protein change: p.Thr318Asn; replaces threonine 318 with asparagine.
Molecular consequence: missense variant. On other transcripts: non-coding transcript variant (1).
Genome position (GRCh38, 1-based): chr20:63,350,458, G>T on the plus strand (C>A on the coding strand, the complement: CHRNA4 is on the minus strand). VCF-style: chr20-63350458-G-T. GRCh37 (hg19) VCF-style: chr20-61981810-G-T.
Other names: c.425C>A, p.Thr142Asn (NM_001256573.2); short protein forms T142N, T318N.
Identifiers: ClinVar variation 1441661 (VCV001441661.1), dbSNP rs121912260, ClinGen allele CA409635965.